The following is an entry in ClinVar:

NM_007294.4(BRCA1):c.121C>A (p.His41Asn)

Gene: BRCA1 (BRCA1 DNA repair associated; minus strand). Cytogenetic location: 17q21.31.
Variant type: single nucleotide variant.
Coding change: c.121C>A on transcript NM_007294.4 (MANE Select); coding-DNA position 121, C replaced by A.
Protein change: p.His41Asn; replaces histidine 41 with asparagine.
Molecular consequence: missense variant. On other transcripts: non-coding transcript variant (1), intron variant (1).
Genome position (GRCh38, 1-based): chr17:43,115,739, G>T on the plus strand (C>A on the coding strand, the complement: BRCA1 is on the minus strand). VCF-style: chr17-43115739-G-T. GRCh37 (hg19) VCF-style: chr17-41267756-G-T.
Other names: NM_007294.4(BRCA1):c.121C>A; p.His41Asn; c.-68C>A (NM_001407571.1, NM_001407853.1, NM_001407879.1 and 52 more transcripts); c.121C>A, p.His41Asn (NM_001407581.1, NM_001407582.1, NM_001407583.1 and 192 more transcripts); c.-137C>A (NM_001407694.1, NM_001407696.1, NM_001407724.1 and 13 more transcripts); c.-141C>A (NM_001407695.1, NM_001408465.1); c.-21C>A (NM_001407697.1, NM_001407725.1, NM_001407728.1 and 47 more transcripts); c.-17C>A (NM_001407841.1); and 4 more; short protein forms H41N.
Identifiers: ClinVar variation 409353 (VCV000409353.18), dbSNP rs1060502353, ClinGen allele CA10601917.

ClinVar aggregate classification (germline): Likely pathogenic. Review status: reviewed by expert panel (3 of 4 stars). 4 submissions from 4 submitters: Likely pathogenic (1). 3 of the submissions do not count toward it. Last evaluated 2025-05-23.

Conditions:
BRCA1-related cancer predisposition. Identifiers: MedGen CN377757, MONDO:0700268.
Hereditary breast ovarian cancer syndrome. Also called: Hereditary breast and ovarian cancer syndrome; Breast and ovarian cancer; Hereditary breast and ovarian cancer syndrome (HBOC); Hereditary breast and/or ovarian cancer syndrome; BRCA1- and BRCA2-Associated Hereditary Breast and Ovarian Cancer; Hereditary breast and ovarian cancer. Identifiers: Orphanet 145, MedGen C0677776, MeSH D061325, MONDO:0003582. Disease mechanism: loss of function.
Hereditary cancer-predisposing syndrome. Also called: Neoplastic Syndromes, Hereditary; Hereditary neoplastic syndrome; Hereditary Cancer Syndrome; Tumor predisposition. Identifiers: Orphanet 140162, MedGen C0027672, MeSH D009386, MONDO:0015356.

Submissions (5):

ClinGen ENIGMA BRCA1 and BRCA2 Variant Curation Expert Panel, ClinGen
Classification: Likely pathogenic for BRCA1-related cancer predisposition. Last evaluated: 2025-05-23. Review status: reviewed by expert panel. Criteria: CSpec BRCA1/2ACMG Rules Specifications V1.2. Collection method: curation. Allele origin: germline. Inheritance: Autosomal dominant inheritance.
Comment: The c.121C>A variant in BRCA1 is a missense variant predicted to cause substitution of histidine by asparagine at amino acid 41 (p.His41Asn). Reported by two calibrated studies to affect protein function similar to pathogenic control variants (PMID:30209399, 35659930) (PS3 met). This variant is absent from gnomAD v2.1 (exomes only, non-cancer subset, read depth ≥25) and gnomAD v3.1 (non-cancer subset, read depth ≥25) (PM2_Supporting met). This BRCA1 missense variant is within a key functional domain and the computational predictor BayesDel (noAF) gives a score of 0.32, above the recommended threshold of 0.28 for prediction of impact on BRCA1 function via protein change. A SpliceAI score of 0.02 predicts no impact on splicing (score threshold ≤0.1) (PP3 met). In summary, this variant meets the criteria to be classified as a Likely pathogenic variant for BRCA1-related cancer predisposition based on the ACMG/AMP criteria applied as specified by the ENIGMA BRCA1/2 VCEP (PS3, PM2_Supporting, PP3).

Labcorp Genetics (formerly Invitae), Labcorp
Classification: Pathogenic for Hereditary breast ovarian cancer syndrome. Last evaluated: 2025-12-03. Review status: criteria provided, single submitter. Criteria: Invitae Variant Classification Sherloc (09022015). Collection method: clinical testing. Allele origin: germline. Not counted in ClinVar's aggregate classification.
Comment: This sequence change replaces histidine, which is basic and polar, with asparagine, which is neutral and polar, at codon 41 of the BRCA1 protein (p.His41Asn). This variant is not present in population databases (gnomAD no frequency). This variant has not been reported in the literature in individuals affected with BRCA1-related conditions. ClinVar contains an entry for this variant (Variation ID: 409353). Invitae Evidence Modeling incorporating data from in vitro experimental studies (PMID: 30209399) indicates that this missense variant is expected to disrupt BRCA1 function with a positive predictive value of 95%. Experimental studies have shown that this missense change affects BRCA1 function (PMID: 25823446, 30209399). This variant disrupts the p.His41 amino acid residue in BRCA1. Other variant(s) that disrupt this residue have been determined to be pathogenic (PMID: 20103620, 21725363, 24489791, 30209399). This suggests that this residue is clinically significant, and that variants that disrupt this residue are likely to be disease-causing. For these reasons, this variant has been classified as Pathogenic.

Ambry Genetics
Classification: Likely pathogenic for Hereditary cancer-predisposing syndrome. Last evaluated: 2024-12-09. Review status: criteria provided, single submitter. Criteria: Ambry Variant Classification Scheme 2023. Collection method: clinical testing. Allele origin: germline. Not counted in ClinVar's aggregate classification.
Comment: The p.H41N variant (also known as c.121C>A), located in coding exon 2 of the BRCA1 gene, results from a C to A substitution at nucleotide position 121. The histidine at codon 41 is replaced by asparagine, an amino acid with similar properties. One functional study found that this nucleotide substitution is non-functional in a high throughput genome editing haploid cell survival assay (Findlay GM et al. Nature, 2018 Oct;562:217-222). Substitutions at this amino acid residue impact E3 ubiquitin ligase activity, however, they have minimal impact on BARD1 binding (Starita LM et al. Genetics, 2015 Jun;200:413-22). Another variant at the same codon, p.H41R (c.122A>G), also non-functional in a high throughput genome editing haploid cell survival assay, has been identified in individuals with features consistent with BRCA1-related cancer predisposition (Whiley PJ et al. PLoS ONE 2014; 9(1):e86836; Findlay GM et al. Nature, 2018 Oct;562:217-222). This amino acid position is highly conserved in available vertebrate species. In addition, this alteration is predicted to be deleterious by in silico analysis. This variant is considered to be rare based on population cohorts in the Genome Aggregation Database (gnomAD). Based on the majority of available evidence to date, this variant is likely to be pathogenic.

Quest Diagnostics Nichols Institute San Juan Capistrano
Classification: Uncertain significance. Last evaluated: 2018-05-05. Review status: criteria provided, single submitter. Criteria: Quest Diagnostics criteria. Collection method: clinical testing. Allele origin: germline. Not counted in ClinVar's aggregate classification.

Brotman Baty Institute, University of Washington
No classification provided (evidence only). Condition: Breast-ovarian cancer, familial 1. Review status: no classification provided. Collection method: in vitro. Allele origin: not applicable. Functional consequence: functionally_abnormal. Not counted in ClinVar's aggregate classification.
ClinVar note: "not provided" was previously submitted as the classification for the variant. However, the classification appeared to be based only on an observation of functional data so it was converted to no classification on 2025-07-30.

Literature cited by the submitters: PubMed 30209399 (cited by Labcorp Genetics (formerly Invitae), Labcorp and Ambry Genetics); PubMed 25823446 (cited by Labcorp Genetics (formerly Invitae), Labcorp and Ambry Genetics); PubMed 20103620 (cited by Labcorp Genetics (formerly Invitae), Labcorp); PubMed 21725363 (cited by Labcorp Genetics (formerly Invitae), Labcorp); PubMed 24489791 (cited by Labcorp Genetics (formerly Invitae), Labcorp).